The following is an entry in ClinVar:

ClinVar aggregate classification (germline): Uncertain significance (1 of 4 stars; one submission).

gnomAD v4.1: 1 of 1,500,874 alleles (0.000067%); highest among the groups gnomAD compares: Non-Finnish European, 0.000088%; no homozygotes.

Submission:

Labcorp Genetics (formerly Invitae), Labcorp
Classification: Uncertain significance. Last evaluated: 2025-11-18. Review status: criteria provided, single submitter. Criteria: Invitae Variant Classification Sherloc (09022015). Collection method: clinical testing. Allele origin: germline.
Comment: This sequence change replaces proline, which is neutral and non-polar, with serine, which is neutral and polar, at codon 9 of the SPPL2A protein (p.Pro9Ser). This variant is present in population databases (no rsID available, gnomAD 0.02%). This variant has not been reported in the literature in individuals affected with SPPL2A-related conditions. An algorithm developed to predict the effect of missense changes on protein structure and function outputs the following: PolyPhen-2: "Benign". The serine amino acid residue is found in multiple mammalian species, which suggests that this missense change does not adversely affect protein function. In summary, the available evidence is currently insufficient to determine the role of this variant in disease. Therefore, it has been classified as a Variant of Uncertain Significance.

NM_032802.4(SPPL2A):c.25C>T (p.Pro9Ser)

Genes: SPPL2A (signal peptide peptidase like 2A; minus strand), LOC130057047 (ATAC-STARR-seq lymphoblastoid silent region 6430; plus strand). Cytogenetic location: 15q21.2.
Variant type: single nucleotide variant.
Coding change: c.25C>T on transcript NM_032802.4 (MANE Select); coding-DNA position 25, C replaced by T.
Protein change: p.Pro9Ser; replaces proline 9 with serine.
Molecular consequence: missense variant.
Genome position (GRCh38, 1-based): chr15:50,765,509, G>A on the plus strand (C>T on the coding strand, the complement: SPPL2A is on the minus strand). VCF-style: chr15-50765509-G-A. GRCh37 (hg19) VCF-style: chr15-51057706-G-A.
Other names: c.25C>T, p.Pro9Ser (NM_001438111.1, NM_001438112.1); short protein forms P9S.
Identifiers: ClinVar variation 4768879 (VCV004768879.1).